The following is an entry in ClinVar:

NM_000258.3(MYL3):c.476C>T (p.Thr159Met)

Gene: MYL3 (myosin light chain 3; minus strand). Cytogenetic location: 3p21.31.
Variant type: single nucleotide variant.
Coding change: c.476C>T on transcript NM_000258.3 (MANE Select); coding-DNA position 476, C replaced by T.
Protein change: p.Thr159Met; replaces threonine 159 with methionine.
Molecular consequence: missense variant.
Genome position (GRCh38, 1-based): chr3:46,859,480, G>A on the plus strand (C>T on the coding strand, the complement: MYL3 is on the minus strand). VCF-style: chr3-46859480-G-A. GRCh37 (hg19) VCF-style: chr3-46900970-G-A.
Other names: short protein forms T159M.
Identifiers: ClinVar variation 918948 (VCV000918948.23), dbSNP rs748832105, ClinGen allele CA044268.

ClinVar aggregate classification (germline): Conflicting classifications of pathogenicity. Review status: criteria provided, conflicting classifications (1 of 4 stars). 9 submissions from 9 submitters: Uncertain significance (6); Likely benign (1). 2 of the submissions do not count toward it. Last evaluated 2026-06-08.

Conditions:
MYL3-related disorder. Also called: MYL3-related condition.
Cardiovascular phenotype. Identifiers: MedGen CN230736.
Hypertrophic cardiomyopathy. Also called: HYPERTROPHIC MYOCARDIOPATHY. Identifiers: Orphanet 217569, MedGen C0007194, MeSH D002312, MONDO:0005045, HP:0001639.
Cardiomyopathy (CMYO). Also called: Cardiomyopathies. Identifiers: Orphanet 167848, MedGen C0878544, MONDO:0004994, HP:0001638. Inheritance: Various modes of inheritance.

Allele frequency attached by ClinVar (database versions not stated): ExAC 0.00002; gnomAD exomes 0.00003 and 0.00010; gnomAD 0.00004 and 0.00005; TOPMed 0.00006.
gnomAD v4.1: 144 of 1,614,008 alleles (0.0089%); highest among the groups gnomAD compares: Non-Finnish European, 0.011%; no homozygotes.

Submissions (9):

Women's Health and Genetics/Laboratory Corporation of America, LabCorp
Classification: Likely benign. Last evaluated: 2026-06-08. Review status: criteria provided, single submitter. Criteria: LabCorp Variant Classification Summary - May 2015. Collection method: clinical testing. Allele origin: germline.
Comment: Variant summary: MYL3 c.476C>T (p.Thr159Met) results in a non-conservative amino acid change in the encoded protein sequence. Algorithms developed to predict the effect of missense changes on protein structure and function all suggest that this variant is likely to be disruptive. The variant allele was found at a frequency of 8.9e-05 in 1614008 control chromosomes, predominantly at a frequency of 0.00011 within the African or African-American subpopulation in the gnomAD database. The observed variant frequency within African or African-American control individuals in the gnomAD database exceeds the estimated maximal expected allele frequency for disease-causing variants in MYL3. c.476C>T has been observed in individual(s) affected with various forms of cardiomyopathy, without strong evidence for causality (example, Kurzlechner_2022, Gray_2026, van Lint_2019, Lopes_2015, Hazebroek_2018, Verdonschot_2018, Lopes_2013, Tobita_2018, Verdonschot_2020). These report(s) do not provide unequivocal conclusions about association of the variant with disease. To our knowledge, no experimental evidence demonstrating an impact on protein function has been reported. The following publications have been ascertained in the context of this evaluation (PMID: 35629155, 39714775, 30847666, 25351510, 29540472, 30571196, 23396983, 29386531, 32880476). ClinVar contains an entry for this variant (Variation ID: 918948). Based on the evidence outlined above, the variant was classified as likely benign.

Labcorp Genetics (formerly Invitae), Labcorp
Classification: Uncertain significance for Hypertrophic cardiomyopathy. Last evaluated: 2026-01-19. Review status: criteria provided, single submitter. Criteria: Invitae Variant Classification Sherloc (09022015). Collection method: clinical testing. Allele origin: germline.
Comment: This sequence change replaces threonine, which is neutral and polar, with methionine, which is neutral and non-polar, at codon 159 of the MYL3 protein (p.Thr159Met). This variant is present in population databases (rs748832105, gnomAD 0.008%). This missense change has been observed in individual(s) with hypertrophic or dilated cardiomyopathy or left ventricular dysfunction (PMID: 25351510, 29386531, 29540472, 30847666, 32880476). ClinVar contains an entry for this variant (Variation ID: 918948). An algorithm developed to predict the effect of missense changes on protein structure and function (PolyPhen-2) suggests that this variant is likely to be disruptive. In summary, the available evidence is currently insufficient to determine the role of this variant in disease. Therefore, it has been classified as a Variant of Uncertain Significance.

PreventionGenetics, part of Exact Sciences
Classification: Uncertain significance for MYL3-related condition. Last evaluated: 2025-08-18. Review status: criteria provided, single submitter. Criteria: ACMG Guidelines, 2015. Collection method: clinical testing. Allele origin: germline.
Comment: The MYL3 c.476C>T variant is predicted to result in the amino acid substitution p.Thr159Met. This variant has been reported in cohort studies of individuals with hypertrophic cardiomyopathy, left ventricular dysfunction, or dilated cardiomyopathy (Table S1, Lopes et al. 2013. PubMed ID: 23396983; Supplementary Table 1, Lopes et al. 2015. PubMed ID: 25351510; Supplementary Table 3, Tobita et al. 2018. PubMed ID: 29386531; Supplementary File 2, van Lint et al. 2019. PubMed ID: 30847666; Supplementary Table 3, Hazebroek et al. 2018. PubMed ID: 29540472; Supplemental Table 4, Verdonschot et al. 2020. PubMed ID: 32880476). It is reported in 0.0080% of alleles in individuals of African descent in gnomAD and is consistently interpreted as a variant of uncertain significance in ClinVar (ClinVar ID: 918948). At this time, its clinical significance remains uncertain due to the absence of conclusive functional and genetic evidence.

Ambry Genetics
Classification: Uncertain significance for Cardiovascular phenotype. Last evaluated: 2025-07-28. Review status: criteria provided, single submitter. Criteria: Ambry Variant Classification Scheme 2023. Collection method: clinical testing. Allele origin: germline.
Comment: The p.T159M variant (also known as c.476C>T), located in coding exon 4 of the MYL3 gene, results from a C to T substitution at nucleotide position 476. The threonine at codon 159 is replaced by methionine, an amino acid with similar properties. This variant was reported in individual(s) with features consistent with cardiomyopathy (Lopes LR et al. J Med Genet, 2013 Apr;50:228-39; Hazebroek MR et al. Circ Heart Fail, 2018 Mar;11:e004682; Tobita T et al. Sci Rep, 2018 Jan;8:1998; van Lint FHM et al. Neth Heart J, 2019 Jun;27:304-309; Verdonschot JAJ et al. Circ Genom Precis Med, 2020 Oct;13:476-487; Akinrinade O et al. J Cardiovasc Transl Res, 2023 Dec;16:1287-1302; Ambry internal data). This amino acid position is well conserved in available vertebrate species. In addition, this alteration is predicted to be deleterious by in silico analysis. Based on the available evidence, the clinical significance of this variant remains unclear.

All of Us Research Program, National Institutes of Health
Classification: Uncertain significance for Hypertrophic cardiomyopathy. Last evaluated: 2024-06-09. Review status: criteria provided, single submitter. Criteria: ACMG Guidelines, 2015. Collection method: clinical testing. Allele origin: germline. Inheritance: Autosomal dominant inheritance. Observed: 16 variant alleles, 16 heterozygotes.
Comment: This missense variant replaces threonine with methionine at codon 159 of the MYL3 protein. Computational prediction tools indicate that this variant's impact on protein structure and function is inconclusive. To our knowledge, functional studies have not been reported for this variant. This variant has been reported in three individuals affected with hypertrophic cardiomyopathy (PMID: 29386531, 30847666), in one individual affected with dilated cardiomyopathy (PMID: 32880476), in two individuals affected with left ventricular dysfunction (PMID: 29540472), and in one individual affected with an unspecified form of cardiomyopathy (PMID: 37477868). This variant has been identified in 9/282688 chromosomes in the general population by the Genome Aggregation Database (gnomAD). The available evidence is insufficient to determine the role of this variant in disease conclusively. Therefore, this variant is classified as a Variant of Uncertain Significance.

This study involves interpretation of variants in research participants for the purpose of population health screening. Participant phenotype was not available at the time of variant classification. Additional details can be found in publication PMID: 35346344, PMCID: PMC8962531

Color Diagnostics, LLC DBA Color Health
Classification: Uncertain significance for Cardiomyopathy. Last evaluated: 2024-02-14. Review status: criteria provided, single submitter. Criteria: ACMG Guidelines, 2015. Collection method: clinical testing. Allele origin: germline.
Comment: This missense variant replaces threonine with methionine at codon 159 of the MYL3 protein. Computational prediction tools indicate that this variant's impact on protein structure and function is inconclusive. To our knowledge, functional studies have not been reported for this variant. This variant has been reported in three individuals affected with hypertrophic cardiomyopathy (PMID: 29386531, 30847666), in one individual affected with dilated cardiomyopathy (PMID: 32880476), in two individuals affected with left ventricular dysfunction (PMID: 29540472), and in one individual affected with an unspecified form of cardiomyopathy (PMID: 37477868). This variant has been identified in 9/282688 chromosomes in the general population by the Genome Aggregation Database (gnomAD). The available evidence is insufficient to determine the role of this variant in disease conclusively. Therefore, this variant is classified as a Variant of Uncertain Significance.

Blueprint Genetics
Classification: Uncertain significance. Last evaluated: 2024-02-05. Review status: criteria provided, single submitter. Criteria: ACMG Guidelines, 2015. Collection method: clinical testing. Allele origin: germline.

Clinical Genetics, Academic Medical Center
Classification: Uncertain significance. Review status: no assertion criteria provided. Collection method: clinical testing. Allele origin: germline. Affected: yes. Study: VKGL Data-share Consensus. Not counted in ClinVar's aggregate classification.

Joint Genome Diagnostic Labs from Nijmegen and Maastricht, Radboudumc and MUMC+
Classification: Uncertain significance. Review status: no assertion criteria provided. Collection method: clinical testing. Allele origin: germline. Affected: yes. Study: VKGL Data-share Consensus. Not counted in ClinVar's aggregate classification.

Literature cited by the submitters: PubMed 23396983 (cited by Women's Health and Genetics/Laboratory Corporation of America, LabCorp and Ambry Genetics); PubMed 25351510 (cited by Women's Health and Genetics/Laboratory Corporation of America, LabCorp and Labcorp Genetics (formerly Invitae), Labcorp); PubMed 29386531 (cited by 5 submitters); PubMed 30847666 (cited by 5 submitters); PubMed 29540472 (cited by 5 submitters); PubMed 32880476 (cited by 5 submitters); PubMed 35629155 (cited by Women's Health and Genetics/Laboratory Corporation of America, LabCorp); PubMed 30571196 (cited by Women's Health and Genetics/Laboratory Corporation of America, LabCorp); PubMed 39714775 (cited by Women's Health and Genetics/Laboratory Corporation of America, LabCorp); PubMed 37477868 (cited by 3 submitters).